The following is an entry in ClinVar:

NM_007294.4(BRCA1):c.1707C>G (p.Asn569Lys)

Gene: BRCA1 (BRCA1 DNA repair associated; minus strand). Cytogenetic location: 17q21.31.
Variant type: single nucleotide variant.
Coding change: c.1707C>G on transcript NM_007294.4 (MANE Select); coding-DNA position 1707, C replaced by G.
Protein change: p.Asn569Lys; replaces asparagine 569 with lysine.
Molecular consequence: missense variant. On other transcripts: intron variant (137).
Genome position (GRCh38, 1-based): chr17:43,093,824, G>C on the plus strand (C>G on the coding strand, the complement: BRCA1 is on the minus strand). VCF-style: chr17-43093824-G-C. GRCh37 (hg19) VCF-style: chr17-41245841-G-C.
Other names: c.1494C>G, p.Asn498Lys (NM_001407571.1, NM_001407853.1, NM_001407894.1 and 9 more transcripts); c.1707C>G, p.Asn569Lys (NM_001407581.1, NM_001407582.1, NM_001407583.1 and 30 more transcripts); c.1704C>G, p.Asn568Lys (NM_001407587.1, NM_001407590.1, NM_001407591.1 and 22 more transcripts); c.1698C>G, p.Asn566Lys (NM_001407646.1, NM_001407647.1); c.1584C>G, p.Asn528Lys (NM_001407648.1, NM_001407664.1, NM_001407665.1 and 19 more transcripts); c.1581C>G, p.Asn527Lys (NM_001407649.1, NM_001407670.1, NM_001407685.1 and 11 more transcripts); c.1626C>G, p.Asn542Lys (NM_001407662.1, NM_001407659.1, NM_001407660.1 and 1 more transcripts); c.1629C>G, p.Asn543Lys (NM_001407663.1, NM_001407653.1, NM_001407654.1 and 4 more transcripts); and 40 more; short protein forms N569K, N522K, N442K, N480K, N481K, N527K, N543K, N566K.
Identifiers: ClinVar variation 927021 (VCV000927021.7), dbSNP rs876659110, ClinGen allele CA10598612.

ClinVar aggregate classification (germline): Conflicting classifications of pathogenicity. Review status: criteria provided, conflicting classifications (1 of 4 stars). 3 submissions from 3 submitters: Uncertain significance (2); Likely benign (1). Last evaluated 2025-06-17.

Conditions:
Hereditary cancer-predisposing syndrome. Also called: Hereditary neoplastic syndrome; Tumor predisposition; Neoplastic Syndromes, Hereditary; Hereditary Cancer Syndrome. Identifiers: Orphanet 140162, MedGen C0027672, MeSH D009386, MONDO:0015356.
Breast-ovarian cancer, familial, susceptibility to, 1 (BROVCA1). Also called: BRCA1 Hereditary Breast and Ovarian Cancer; OVARIAN CANCER, SUSCEPTIBILITY TO. Identifiers: Orphanet 145, MedGen C2676676, MONDO:0011450, OMIM 604370. Disease mechanism: loss of function.

Submissions (3):

St. Jude Molecular Pathology, St. Jude Children's Research Hospital
Classification: Uncertain significance for Breast-ovarian cancer, familial, susceptibility to, 1. Last evaluated: 2025-06-17. Review status: criteria provided, single submitter. Criteria: St. Jude Assertion Criteria 2020. Collection method: clinical testing. Allele origin: germline.
Comment: The BRCA1 c.1707C>G p.(Asn569Lys) missense change is absent in gnomAD v2.1.1. The in silico tool REVEL is inconclusive about a pathogenic or benign effect of this variant on protein function, and to our knowledge functional studies have not been performed. To our knowledge, this variant has not been reported in individuals with HBOC or Fanconi anemia. In summary, the evidence currently available is insufficient to determine the clinical significance of this variant. It has therefore been classified as of uncertain significance.

University of Washington Department of Laboratory Medicine, University of Washington
Classification: Likely benign for Hereditary cancer-predisposing syndrome. Last evaluated: 2023-03-23. Review status: criteria provided, single submitter. Criteria: Dines et al. (Genet Med. 2020). Collection method: curation. Allele origin: germline.
Comment: Missense variant in a coldspot region where missense variants are very unlikely to be pathogenic (PMID:31911673).

BRCA1 coldspot (exon 11 using historical exon numbering). Reclassification based on statistical prior probability

Color Diagnostics, LLC DBA Color Health
Classification: Uncertain significance for Hereditary cancer-predisposing syndrome. Last evaluated: 2019-05-16. Review status: criteria provided, single submitter. Criteria: ACMG Guidelines, 2015. Collection method: clinical testing. Allele origin: germline.